The following is an entry in ClinVar:

ClinVar aggregate classification (germline): Conflicting classifications of pathogenicity. Review status: criteria provided, conflicting classifications (1 of 4 stars). 4 submissions from 4 submitters: Uncertain significance (3); Likely benign (1). Last evaluated 2024-11-22.

Conditions:
Inborn genetic diseases. Identifiers: MedGen C0950123, MeSH D030342.

Allele frequency attached by ClinVar (database versions not stated): ESP Exome Variant Server 0.00031; TOPMed 0.00034; gnomAD exomes 0.00037; gnomAD 0.00039 and 0.00041; ExAC 0.00040.
gnomAD v4.1: 883 of 1,614,040 alleles (0.055%); highest among the groups gnomAD compares: Non-Finnish European, 0.072%; 1 homozygote.

Submissions (4):

Blueprint Genetics
Classification: Likely benign. Last evaluated: 2024-11-22. Review status: criteria provided, single submitter. Criteria: ACMG Guidelines, 2015. Collection method: clinical testing. Allele origin: germline.

Ambry Genetics
Classification: Uncertain significance for Inborn genetic diseases. Last evaluated: 2022-07-19. Review status: criteria provided, single submitter. Criteria: Ambry Variant Classification Scheme 2023. Collection method: clinical testing. Allele origin: germline.

GeneDx
Classification: Uncertain significance. Last evaluated: 2022-03-25. Review status: criteria provided, single submitter. Criteria: GeneDx Variant Classification Process June 2021. Collection method: clinical testing. Allele origin: germline. Affected: yes.
Comment: In silico analysis, which includes protein predictors and evolutionary conservation, supports a deleterious effect; Has not been previously published as pathogenic or benign to our knowledge

Labcorp Genetics (formerly Invitae), Labcorp
Classification: Uncertain significance. Last evaluated: 2021-12-23. Review status: criteria provided, single submitter. Criteria: Invitae Variant Classification Sherloc (09022015). Collection method: clinical testing. Allele origin: germline.
Comment: This sequence change replaces serine, which is neutral and polar, with isoleucine, which is neutral and non-polar, at codon 1404 of the LAMA1 protein (p.Ser1404Ile). This variant is present in population databases (rs147345095, gnomAD 0.08%). This variant has not been reported in the literature in individuals affected with LAMA1-related conditions. ClinVar contains an entry for this variant (Variation ID: 1308430). Algorithms developed to predict the effect of missense changes on protein structure and function (SIFT, PolyPhen-2, Align-GVGD) all suggest that this variant is likely to be tolerated. In summary, the available evidence is currently insufficient to determine the role of this variant in disease. Therefore, it has been classified as a Variant of Uncertain Significance.

NM_005559.4(LAMA1):c.4211G>T (p.Ser1404Ile)

Gene: LAMA1 (laminin subunit alpha 1; minus strand). Cytogenetic location: 18p11.31.
Variant type: single nucleotide variant.
Coding change: c.4211G>T on transcript NM_005559.4 (MANE Select); coding-DNA position 4211, G replaced by T.
Protein change: p.Ser1404Ile; replaces serine 1404 with isoleucine.
Molecular consequence: missense variant.
Genome position (GRCh38, 1-based): chr18:7,007,188, C>A on the plus strand (G>T on the coding strand, the complement: LAMA1 is on the minus strand). VCF-style: chr18-7007188-C-A. GRCh37 (hg19) VCF-style: chr18-7007187-C-A.
Other names: short protein forms S1404I.
Identifiers: ClinVar variation 1308430 (VCV001308430.7), dbSNP rs147345095, ClinGen allele CA8881992.